The following is an entry in ClinVar:

ClinVar aggregate classification (germline): Pathogenic (1 of 4 stars; one submission).

Submission:

GeneDx
Classification: Pathogenic. Last evaluated: 2017-03-08. Review status: criteria provided, single submitter. Criteria: GeneDx Variant Classification (06012015). Collection method: clinical testing. Allele origin: germline. Affected: yes.
Comment: The c.1289delC variant in the NONO gene has not been reported previously as a pathogenic variant nor as a benign variant, to our knowledge. The c.1289delC variant causes a frameshift starting with codon Proline 430, changes this amino acid to a Glutamine residue, and creates a premature Stop codon at position 54 of the new reading frame, denoted p.Pro430GlnfsX54. The c.1289delC variant is not observed in large population cohorts (Lek et al., 2016; 1000 Genomes Consortium et al., 2015; Exome Variant Server). We interpret c.1289delC as a likely pathogenic variant.

NM_007363.5(NONO):c.1289del (p.Pro430fs)

Gene: NONO (non-POU domain containing octamer binding; plus strand). Cytogenetic location: Xq13.1.
Variant type: Deletion.
Coding change: c.1289del on transcript NM_007363.5 (MANE Select); coding-DNA position 1289, one base deleted (C; older notation c.1289delC).
Protein change: p.Pro430fs; shifts the reading frame from proline 430.
Molecular consequence: frameshift variant.
Genome position (GRCh38, 1-based): chrX:71,299,949, C deleted; the last of 2 consecutive C bases (chrX:71,299,948-71,299,949); deleting either gives the same sequence. VCF-style (leftmost placement, unchanged base first): chrX-71299947-AC-A. GRCh37 (hg19) VCF-style: chrX-70519797-AC-A.
Other names: c.1289del, p.Pro430fs (NM_001145408.2, NM_001145409.2); c.1022del, p.Pro341fs (NM_001145410.2); short protein forms P341fs, P430fs.
Identifiers: ClinVar variation 424120 (VCV000424120.2), dbSNP rs1064796806, ClinGen allele CA16621496.
Genomic context (GRCh38, chrX:71,299,947, plus strand): 5'-TGGGAAGCTTCCAACAATGGCTCTGTTACAGTGTTGCTCTCTTTTTCTCTTTAAGACCCC[AC>A]CAACAACTGAACGCTTTGGTCAGGCTGCTACAATGGAAGGAATTGGGGCAATTGGTGGAA-3'